The following is an entry in ClinVar:

NM_014425.5(INVS):c.2582G>C (p.Arg861Thr)

Gene: INVS (inversin; plus strand). Cytogenetic location: 9q31.1.
Variant type: single nucleotide variant.
Coding change: c.2582G>C on transcript NM_014425.5 (MANE Select); coding-DNA position 2582, G replaced by C.
Protein change: p.Arg861Thr; replaces arginine 861 with threonine.
Molecular consequence: missense variant. On other transcripts: non-coding transcript variant (1).
Genome position (GRCh38, 1-based): chr9:100,292,839, G>C. VCF-style: chr9-100292839-G-C. GRCh37 (hg19) VCF-style: chr9-103055121-G-C.
Other names: p.Arg861Thr; c.2582G>C (NM_014425.4); c.2294G>C, p.Arg765Thr (NM_001318381.2); c.1604G>C, p.Arg535Thr (NM_001318382.2); short protein forms R535T, R765T, R861T.
Identifiers: ClinVar variation 1168198 (VCV001168198.14), dbSNP rs760537423, ClinGen allele CA5158656.

ClinVar aggregate classification (germline): Benign/Likely benign. Review status: criteria provided, multiple submitters, no conflicts (2 of 4 stars). 5 submissions from 5 submitters: Benign (1); Likely benign (3). 1 of the submissions does not count toward it. Last evaluated 2026-01-24.

Conditions:
INVS-related disorder. Also called: INVS-related condition.
Nephronophthisis. Also called: Juvenile Nephronophthisis. Identifiers: Orphanet 655, MedGen C0687120, MONDO:0019005, HP:0000090.
Infantile nephronophthisis (NPHP2). Also called: Nephronophthisis 2, infantile; Nephronophthisis 2. Identifiers: Orphanet 655, Orphanet 93591, MedGen C1865872, MONDO:0011190, OMIM 602088.

gnomAD v4.1: 63 of 1,614,164 alleles (0.0039%); highest among the groups gnomAD compares: East Asian, 0.13%; no homozygotes.

Submissions (5):

Labcorp Genetics (formerly Invitae), Labcorp
Classification: Benign for Nephronophthisis. Last evaluated: 2026-01-24. Review status: criteria provided, single submitter. Criteria: Invitae Variant Classification Sherloc (09022015). Collection method: clinical testing. Allele origin: germline.

Mayo Clinic Laboratories, Mayo Clinic
Classification: Likely benign. Last evaluated: 2025-08-13. Review status: criteria provided, single submitter. Criteria: ACMG Guidelines, 2015. Collection method: clinical testing. Allele origin: germline. Observed: 1 variant allele.
Comment: BS1, BP4_moderate

Blueprint Genetics
Classification: Likely benign. Last evaluated: 2024-06-17. Review status: criteria provided, single submitter. Criteria: ACMG Guidelines, 2015. Collection method: clinical testing. Allele origin: germline.

Fulgent Genetics
Classification: Likely benign for Infantile nephronophthisis. Last evaluated: 2021-09-15. Review status: criteria provided, single submitter. Criteria: ACMG Guidelines, 2015. Collection method: clinical testing. Allele origin: unknown.

PreventionGenetics, part of Exact Sciences
Classification: Likely benign for INVS-related condition. Last evaluated: 2022-02-17. Review status: no assertion criteria provided. Collection method: clinical testing. Allele origin: germline. Not counted in ClinVar's aggregate classification.
Comment: This variant is classified as likely benign based on ACMG/AMP sequence variant interpretation guidelines (Richards et al. 2015 PMID: 25741868, with internal and published modifications).